The following is an entry in ClinVar:

NM_004370.6(COL12A1):c.511G>C (p.Asp171His)

Gene: COL12A1 (collagen type XII alpha 1 chain; minus strand). Cytogenetic location: 6q13.
Variant type: single nucleotide variant.
Coding change: c.511G>C on transcript NM_004370.6 (MANE Select); coding-DNA position 511, G replaced by C.
Protein change: p.Asp171His; replaces aspartic acid 171 with histidine.
Molecular consequence: missense variant. On other transcripts: intron variant (1).
Genome position (GRCh38, 1-based): chr6:75,189,699, C>G on the plus strand (G>C on the coding strand, the complement: COL12A1 is on the minus strand). VCF-style: chr6-75189699-C-G. GRCh37 (hg19) VCF-style: chr6-75899415-C-G.
Other names: c.73+13021G>C (NM_080645.3); short protein forms D171H.
Identifiers: ClinVar variation 1351114 (VCV001351114.8), dbSNP rs748076280, ClinGen allele CA3894410.
Genomic context (GRCh38, chr6:75,189,699, plus strand): 5'-CAGTCCTGGTATCAGAGCTGTATTGAACAACTCCAACTCTTGTCTTCTCTTCCCCAATGT[C>G]AAAAGCAGACACAAGAGCAGCAATGAAGTCTAAAATGTACTTGAAATTATTTCTTCCCAC-3'
Protein context (NP_004361.3, residues 161-181): DFIAALVSAF[Asp171His]IGEEKTRVGV

ClinVar aggregate classification (germline): Uncertain significance (1 of 4 stars; one submission).

Conditions:
Ullrich congenital muscular dystrophy 2 (UCMD2). Identifiers: Orphanet 75840, MedGen C4225314, MONDO:0014654, OMIM 616470.
Bethlem myopathy 2 (BTHLM2). Identifiers: Orphanet 536516, Orphanet 610, MedGen C4225313, MONDO:0034022, OMIM 616471.

Allele frequency attached by ClinVar (database versions not stated): TOPMed below 0.00001; ExAC 0.00001; gnomAD 0.00001; gnomAD exomes below 0.00001 and 0.00002.
gnomAD v4.1: 11 of 1,613,248 alleles (0.00068%); highest among the groups gnomAD compares: Non-Finnish European, 0.00085%; no homozygotes.

Submission:

Labcorp Genetics (formerly Invitae), Labcorp
Classification: Uncertain significance for Bethlem myopathy 2; Ullrich congenital muscular dystrophy 2. Last evaluated: 2025-03-05. Review status: criteria provided, single submitter. Criteria: Invitae Variant Classification Sherloc (09022015). Collection method: clinical testing. Allele origin: germline.
Comment: This sequence change replaces aspartic acid, which is acidic and polar, with histidine, which is basic and polar, at codon 171 of the COL12A1 protein (p.Asp171His). This variant is present in population databases (rs748076280, gnomAD 0.002%). This variant has not been reported in the literature in individuals affected with COL12A1-related conditions. ClinVar contains an entry for this variant (Variation ID: 1351114). Invitae Evidence Modeling of protein sequence and biophysical properties (such as structural, functional, and spatial information, amino acid conservation, physicochemical variation, residue mobility, and thermodynamic stability) indicates that this missense variant is not expected to disrupt COL12A1 protein function with a negative predictive value of 80%. In summary, the available evidence is currently insufficient to determine the role of this variant in disease. Therefore, it has been classified as a Variant of Uncertain Significance.